The following is an entry in ClinVar:

NM_000297.4(PKD2):c.1922del (p.Leu641fs)

Gene: PKD2 (polycystin 2, transient receptor potential cation channel; plus strand). Cytogenetic location: 4q22.1.
Variant type: Deletion.
Coding change: c.1922del on transcript NM_000297.4 (MANE Select); coding-DNA position 1922, one base deleted (T; older notation c.1922delT).
Protein change: p.Leu641fs; shifts the reading frame from leucine 641.
Molecular consequence: frameshift variant.
Genome position (GRCh38, 1-based): chr4:88,058,006, T deleted; the last of 4 consecutive T bases (chr4:88,058,003-88,058,006); deleting any one gives the same sequence. VCF-style (leftmost placement, unchanged base first): chr4-88058002-AT-A. GRCh37 (hg19) VCF-style: chr4-88979154-AT-A.
Other names: c.1922delT (NM_000297.4); c.1697del, p.Leu566fs (NM_001440544.1); short protein forms L566fs, L641fs.
Identifiers: ClinVar variation 4845926 (VCV004845926.1).
Genomic context (GRCh38, chr4:88,058,002, plus strand): 5'-TCTTTGTTTTTGTATTGTGGTGTTTTGTTTTATTTTTATAGCTTCACTCAATTCCGTATC[AT>A]TTTGGGCGATATCAACTTTGCAGAGATTGAGGAAGCTAATCGAGTTTTGGGACCAATTTA-3'

ClinVar aggregate classification (germline): Likely pathogenic (1 of 4 stars; one submission).

Conditions:
Polycystic kidney disease 2 (PKD2). Also called: Polycystic Kidney Disease 2, Autosomal Dominant; POLYCYSTIC KIDNEY DISEASE, ADULT, TYPE II; POLYCYSTIC KIDNEY DISEASE 2 WITH OR WITHOUT POLYCYSTIC LIVER DISEASE. Identifiers: MedGen C2751306, MONDO:0013131, OMIM 613095.

Submission:

First Genomix Gene Laboratory, Genetic Diagnostics Department
Classification: Likely pathogenic for Polycystic kidney disease 2. Last evaluated: 2025-04-30. Review status: criteria provided, single submitter. Criteria: ACMG Guidelines, 2015. Collection method: clinical testing. Allele origin: germline. Inheritance: Autosomal dominant inheritance. Affected: yes. Observed: 1 variant allele.